The following is an entry in ClinVar:

ClinVar aggregate classification (germline): Conflicting classifications of pathogenicity. Review status: criteria provided, conflicting classifications (1 of 4 stars). 6 submissions from 5 submitters: Uncertain significance (2); Likely benign (2). 2 of the submissions do not count toward it. Last evaluated 2026-01-06.

Conditions:
Peroxisome biogenesis disorder 9B. Also called: PEX7-Related Refsum Disease; PEROXISOME BIOGENESIS DISORDER, PEX7-RELATED, ATYPICAL; Refsum disease, adult, 2. Identifiers: Orphanet 773, MedGen C2749346, MONDO:0013945, OMIM 614879.
PEX7-related disorder. Also called: PEX7-related condition; PEX7-related disorders. Identifiers: MedGen CN239409.
Rhizomelic chondrodysplasia punctata type 1 (RCDP1). Also called: PEX7-Related Rhizomelic Chondrodysplasia Punctata; CHONDRODYSTROPHIA CALCIFICANS PUNCTATA; PEROXISOME BIOGENESIS DISORDER 9. Identifiers: Orphanet 177, Orphanet 309789, MedGen C1859133, MONDO:0008972, OMIM 215100. Disease mechanism: loss of function.

Allele frequency attached by ClinVar (database versions not stated): gnomAD 0.00003; TOPMed 0.00004.
gnomAD v4.1: 48 of 1,473,026 alleles (0.0033%); highest among the groups gnomAD compares: Non-Finnish European, 0.00076%; no homozygotes.

Submissions (6):

Labcorp Genetics (formerly Invitae), Labcorp
Classification: Likely benign for Peroxisome biogenesis disorder 9B. Last evaluated: 2026-01-06. Review status: criteria provided, single submitter. Criteria: Invitae Variant Classification Sherloc (09022015). Collection method: clinical testing. Allele origin: germline.

Blueprint Genetics
Classification: Likely benign. Last evaluated: 2024-04-18. Review status: criteria provided, single submitter. Criteria: ACMG Guidelines, 2015. Collection method: clinical testing. Allele origin: germline.

Illumina Laboratory Services, Illumina
Classification: Uncertain significance for Peroxisome biogenesis disorder 9B. Last evaluated: 2018-01-13. Review status: criteria provided, single submitter. Criteria: ICSL Variant Classification Criteria 13 December 2019. Collection method: clinical testing. Allele origin: germline.

Illumina Laboratory Services, Illumina
Classification: Uncertain significance for Rhizomelic chondrodysplasia punctata type 1. Last evaluated: 2018-01-13. Review status: criteria provided, single submitter. Criteria: ICSL Variant Classification Criteria 13 December 2019. Collection method: clinical testing. Allele origin: germline.

PreventionGenetics, part of Exact Sciences
Classification: Likely benign for PEX7-related condition. Last evaluated: 2022-02-26. Review status: no assertion criteria provided. Collection method: clinical testing. Allele origin: germline. Not counted in ClinVar's aggregate classification.
Comment: This variant is classified as likely benign based on ACMG/AMP sequence variant interpretation guidelines (Richards et al. 2015 PMID: 25741868, with internal and published modifications).

Natera, Inc.
Classification: Uncertain significance for Rhizomelic chondrodysplasia punctata type 1. Last evaluated: 2020-01-17. Review status: no assertion criteria provided. Collection method: clinical testing. Allele origin: germline. Not counted in ClinVar's aggregate classification.

NM_000288.4(PEX7):c.903+8A>G

Gene: PEX7 (peroxisomal biogenesis factor 7; plus strand). Cytogenetic location: 6q23.3.
Variant type: single nucleotide variant.
Coding change: c.903+8A>G on transcript NM_000288.4 (MANE Select); 8 bases into the intron after coding-DNA position 903, A replaced by G.
Molecular consequence: intron variant.
Genome position (GRCh38, 1-based): chr6:136,898,249, A>G. VCF-style: chr6-136898249-A-G. GRCh37 (hg19) VCF-style: chr6-137219387-A-G.
Identifiers: ClinVar variation 795513 (VCV000795513.19), dbSNP rs779919482, ClinGen allele CA4017789.